The following is an entry in ClinVar:

ClinVar aggregate classification (germline): Likely benign (0 of 4 stars; one submission).

Conditions:
MRAP2-related disorder. Also called: MRAP2-related condition.

gnomAD v4.1: 8 of 1,614,202 alleles (0.0005%); highest among the groups gnomAD compares: Non-Finnish European, 0.00068%; no homozygotes.

Submission:

PreventionGenetics, part of Exact Sciences
Classification: Likely benign for MRAP2-related condition. Last evaluated: 2023-07-13. Review status: no assertion criteria provided. Collection method: clinical testing. Allele origin: germline.
Comment: This variant is classified as likely benign based on ACMG/AMP sequence variant interpretation guidelines (Richards et al. 2015 PMID: 25741868, with internal and published modifications).

NM_138409.4(MRAP2):c.369G>C (p.Val123=)

Gene: MRAP2 (melanocortin 2 receptor accessory protein 2; plus strand). Cytogenetic location: 6q14.2.
Variant type: single nucleotide variant.
Coding change: c.369G>C on transcript NM_138409.4 (MANE Select); coding-DNA position 369, G replaced by C.
Protein change: p.Val123=; no amino-acid change (valine 123 retained).
Molecular consequence: synonymous variant.
Genome position (GRCh38, 1-based): chr6:84,089,232, G>C. VCF-style: chr6-84089232-G-C. GRCh37 (hg19) VCF-style: chr6-84798951-G-C.
Other names: c.111G>C, p.Val37= (NM_001346541.2); c.369G>C, p.Val123= (NM_001346542.2, NM_001346544.2); c.204G>C, p.Val68= (NM_001346543.2).
Identifiers: ClinVar variation 3350570 (VCV003350570.1).